The following is an entry in ClinVar:

ClinVar aggregate classification (germline): Likely benign (1 of 4 stars; one submission).

Allele frequency attached by ClinVar (database versions not stated): gnomAD 0.00014 and 0.00015; 1000 Genomes Project 0.00020; TOPMed 0.00022; ESP Exome Variant Server 0.00031; 1000 Genomes Project 30x 0.00047.
gnomAD v4.1: 44 of 1,614,134 alleles (0.0027%); highest among the groups gnomAD compares: African/African-American, 0.053%; no homozygotes.

Submission:

GeneDx
Classification: Likely benign. Last evaluated: 2017-04-26. Review status: criteria provided, single submitter. Criteria: GeneDx Variant Classification (06012015). Collection method: clinical testing. Allele origin: germline. Affected: yes.
Comment: This variant is considered likely benign or benign based on one or more of the following criteria: it is a conservative change, it occurs at a poorly conserved position in the protein, it is predicted to be benign by multiple in silico algorithms, and/or has population frequency not consistent with disease.

NM_013391.3(DMGDH):c.276+16C>G

Gene: DMGDH (dimethylglycine dehydrogenase; minus strand). Cytogenetic location: 5q14.1.
Variant type: single nucleotide variant.
Coding change: c.276+16C>G on transcript NM_013391.3 (MANE Select); 16 bases into the intron after coding-DNA position 276, C replaced by G.
Molecular consequence: intron variant.
Genome position (GRCh38, 1-based): chr5:79,063,597, G>C on the plus strand (C>G on the coding strand, the complement: DMGDH is on the minus strand). VCF-style: chr5-79063597-G-C. GRCh37 (hg19) VCF-style: chr5-78359420-G-C.
Identifiers: ClinVar variation 508751 (VCV000508751.1), dbSNP rs201538877, ClinGen allele CA3319035.